The following is an entry in ClinVar:

ClinVar aggregate classification (germline): Uncertain significance (1 of 4 stars; one submission).

Allele frequency attached by ClinVar (database versions not stated): gnomAD exomes below 0.00001.
gnomAD v4.1: 1 of 1,613,794 alleles (0.000062%); highest among the groups gnomAD compares: East Asian, 0.0022%; no homozygotes.

Submission:

Labcorp Genetics (formerly Invitae), Labcorp
Classification: Uncertain significance. Last evaluated: 2022-11-28. Review status: criteria provided, single submitter. Criteria: Invitae Variant Classification Sherloc (09022015). Collection method: clinical testing. Allele origin: germline.
Comment: This sequence change replaces histidine, which is basic and polar, with tyrosine, which is neutral and polar, at codon 30 of the LBR protein (p.His30Tyr). This variant is not present in population databases (gnomAD no frequency). This variant has not been reported in the literature in individuals affected with LBR-related conditions. Advanced modeling of protein sequence and biophysical properties (such as structural, functional, and spatial information, amino acid conservation, physicochemical variation, residue mobility, and thermodynamic stability) performed at Invitae indicates that this missense variant is not expected to disrupt LBR protein function. In summary, the available evidence is currently insufficient to determine the role of this variant in disease. Therefore, it has been classified as a Variant of Uncertain Significance.

NM_002296.4(LBR):c.88C>T (p.His30Tyr)

Gene: LBR (lamin B receptor; minus strand). Cytogenetic location: 1q42.12.
Variant type: single nucleotide variant.
Coding change: c.88C>T on transcript NM_002296.4 (MANE Select); coding-DNA position 88, C replaced by T.
Protein change: p.His30Tyr; replaces histidine 30 with tyrosine.
Molecular consequence: missense variant.
Genome position (GRCh38, 1-based): chr1:225,423,988, G>A on the plus strand (C>T on the coding strand, the complement: LBR is on the minus strand). VCF-style: chr1-225423988-G-A. GRCh37 (hg19) VCF-style: chr1-225611690-G-A.
Other names: c.88C>T, p.His30Tyr (NM_194442.3); short protein forms H30Y.
Identifiers: ClinVar variation 2989935 (VCV002989935.3), dbSNP rs2096133891, ClinGen allele CA345003150.